The following is an entry in ClinVar:

ClinVar aggregate classification (germline): Conflicting classifications of pathogenicity. Review status: criteria provided, conflicting classifications (1 of 4 stars). 4 submissions from 4 submitters: Uncertain significance (3); Likely benign (1). Last evaluated 2025-11-24.

Conditions:
Mitochondrial complex II deficiency, nuclear type 1. Also called: SUCCINATE CoQ REDUCTASE DEFICIENCY. Identifiers: Orphanet 3208, MedGen C5700310, MONDO:0100294, OMIM 252011.
Dilated cardiomyopathy 1GG (CMD1GG). Identifiers: Orphanet 154, MedGen C3150898, MONDO:0013339, OMIM 613642.
Neurodegeneration with ataxia and late-onset optic atrophy. Identifiers: MedGen C5543254, MONDO:0031006, OMIM 619259.
Pheochromocytoma/paraganglioma syndrome 5. Also called: Paragangliomas 5; SDHA-Related Hereditary Paraganglioma-Pheochromocytoma Syndrome. Identifiers: Orphanet 29072, MedGen C3279992, MONDO:0013602, OMIM 614165.
Hereditary cancer-predisposing syndrome. Also called: Neoplastic Syndromes, Hereditary; Hereditary Cancer Syndrome; Hereditary neoplastic syndrome; Tumor predisposition. Identifiers: Orphanet 140162, MedGen C0027672, MeSH D009386, MONDO:0015356.

Allele frequency attached by ClinVar (database versions not stated): ExAC 0.00001; gnomAD exomes 0.00001; TOPMed 0.00001; gnomAD 0.00003.
gnomAD v4.1: 42 of 1,613,570 alleles (0.0026%); highest among the groups gnomAD compares: East Asian, 0.038%; no homozygotes.

Submissions (4):

Labcorp Genetics (formerly Invitae), Labcorp
Classification: Uncertain significance for Pheochromocytoma/paraganglioma syndrome 5; Mitochondrial complex II deficiency, nuclear type 1. Last evaluated: 2025-11-24. Review status: criteria provided, single submitter. Criteria: Invitae Variant Classification Sherloc (09022015). Collection method: clinical testing. Allele origin: germline.
Comment: This sequence change replaces alanine, which is neutral and non-polar, with threonine, which is neutral and polar, at codon 236 of the SDHA protein (p.Ala236Thr). This variant is present in population databases (rs774160524, gnomAD 0.003%). This variant has not been reported in the literature in individuals affected with SDHA-related conditions. ClinVar contains an entry for this variant (Variation ID: 472399). Invitae Evidence Modeling of protein sequence and biophysical properties (such as structural, functional, and spatial information, amino acid conservation, physicochemical variation, residue mobility, and thermodynamic stability) indicates that this missense variant is not expected to disrupt SDHA protein function with a negative predictive value of 95%. In summary, the available evidence is currently insufficient to determine the role of this variant in disease. Therefore, it has been classified as a Variant of Uncertain Significance.

Ambry Genetics
Classification: Likely benign for Hereditary cancer-predisposing syndrome. Last evaluated: 2025-08-13. Review status: criteria provided, single submitter. Criteria: Ambry Variant Classification Scheme 2023. Collection method: clinical testing. Allele origin: germline.

Fulgent Genetics
Classification: Uncertain significance for Mitochondrial complex II deficiency, nuclear type 1; Dilated cardiomyopathy 1GG; Pheochromocytoma/paraganglioma syndrome 5; Neurodegeneration with ataxia and late-onset optic atrophy. Last evaluated: 2024-05-15. Review status: criteria provided, single submitter. Criteria: ACMG Guidelines, 2015. Collection method: clinical testing. Allele origin: germline.

Baylor Genetics
Classification: Uncertain significance for Dilated cardiomyopathy 1GG. Last evaluated: 2023-10-31. Review status: criteria provided, single submitter. Criteria: ACMG Guidelines, 2015. Collection method: clinical testing. Allele origin: unknown.

NM_004168.4(SDHA):c.706G>A (p.Ala236Thr)

Gene: SDHA (succinate dehydrogenase complex flavoprotein subunit A; plus strand). Cytogenetic location: 5p15.33.
Variant type: single nucleotide variant.
Coding change: c.706G>A on transcript NM_004168.4 (MANE Select); coding-DNA position 706, G replaced by A.
Protein change: p.Ala236Thr; replaces alanine 236 with threonine.
Molecular consequence: missense variant.
Genome position (GRCh38, 1-based): chr5:228,269, G>A. VCF-style: chr5-228269-G-A. GRCh37 (hg19) VCF-style: chr5-228384-G-A.
Other names: c.562G>A, p.Ala188Thr (NM_001294332.2); c.706G>A, p.Ala236Thr (NM_001330758.2); short protein forms A236T, A188T.
Identifiers: ClinVar variation 472399 (VCV000472399.16), dbSNP rs774160524, ClinGen allele CA3172946.
Genomic context (GRCh38, chr5:228,269, plus strand): 5'-TTTGTGGAGTATTTTGCCTTGGATCTCCTGATGGAGAATGGGGAGTGCCGTGGTGTCATC[G>A]CACTGTGCATAGAGGACGGGTCCATCCATCGCATAAGAGCAAAGAACACTGTTGTTGCCA-3'
Protein context (NP_004159.2, residues 226-246): MENGECRGVI[Ala236Thr]LCIEDGSIHR